The following is an entry in ClinVar:

NM_005591.3:c.315-4insT

Gene: MRE11 (MRE11 double strand break repair nuclease; minus strand). Cytogenetic location: 11q21.
Variant type: Insertion.
Identifiers: ClinVar variation 182545 (VCV000182545.1).

ClinVar aggregate classification (germline): Benign (1 of 4 stars; one submission).

Conditions:
Hereditary cancer-predisposing syndrome. Also called: Tumor predisposition; Hereditary Cancer Syndrome; Hereditary neoplastic syndrome; Neoplastic Syndromes, Hereditary. Identifiers: Orphanet 140162, MedGen C0027672, MeSH D009386, MONDO:0015356.

Submission:

GeneDx
Classification: Benign for Neoplastic Syndromes, Hereditary. Last evaluated: 2014-02-26. Review status: criteria provided, single submitter. Criteria: GeneDx Variant Classification (06012015). Collection method: clinical testing. Allele origin: germline. Affected: yes.
Comment: The variant is found in BR-OV-HEREDIC,HEREDICANCER panel(s).